The following is an entry in ClinVar:

ClinVar aggregate classification (germline): Uncertain significance. Review status: criteria provided, multiple submitters, no conflicts (2 of 4 stars). 3 submissions from 3 submitters: Uncertain significance (2). 1 of the submissions does not count toward it. Last evaluated 2025-10-19.

Conditions:
Seizures, benign familial infantile, 3 (BFIS3). Also called: CONVULSIONS, BENIGN FAMILIAL INFANTILE, 3; Familial neonatal seizures. Identifiers: Orphanet 140927, Orphanet 306, MedGen C1843140, MONDO:0011904, OMIM 607745.
Developmental and epileptic encephalopathy, 11 (DEE11). Also called: Early infantile epileptic encephalopathy 11. Identifiers: Orphanet 1934, MedGen C3150987, MONDO:0013388, OMIM 613721.
SCN2A-related disorder. Also called: SCN2A-related condition; SCN2A-related disorders. Identifiers: MedGen CN382226, MONDO:1060245.

gnomAD v4.1: 2 of 1,613,980 alleles (0.00012%); highest among the groups gnomAD compares: Non-Finnish European, 0.000085%; no homozygotes.

Submissions (3):

Labcorp Genetics (formerly Invitae), Labcorp
Classification: Uncertain significance for Seizures, benign familial infantile, 3; Developmental and epileptic encephalopathy, 11. Last evaluated: 2025-10-19. Review status: criteria provided, single submitter. Criteria: Invitae Variant Classification Sherloc (09022015). Collection method: clinical testing. Allele origin: germline.
Comment: This sequence change replaces histidine, which is basic and polar, with proline, which is neutral and non-polar, at codon 689 of the SCN2A protein (p.His689Pro). This variant is not present in population databases (gnomAD no frequency). This variant has not been reported in the literature in individuals affected with SCN2A-related conditions. ClinVar contains an entry for this variant (Variation ID: 1205210). Invitae Evidence Modeling of protein sequence and biophysical properties (such as structural, functional, and spatial information, amino acid conservation, physicochemical variation, residue mobility, and thermodynamic stability) has been performed for this missense variant. However, the output from this modeling did not meet the statistical confidence thresholds required to predict the impact of this variant on SCN2A protein function. In summary, the available evidence is currently insufficient to determine the role of this variant in disease. Therefore, it has been classified as a Variant of Uncertain Significance.

GeneDx
Classification: Uncertain significance. Last evaluated: 2023-10-11. Review status: criteria provided, single submitter. Criteria: GeneDx Variant Classification Process June 2021. Collection method: clinical testing. Allele origin: germline. Affected: yes.
Comment: Not observed at significant frequency in large population cohorts (gnomAD); This substitution is predicted to be within the cytoplasmic loop between the first and second homologous domains; In silico analysis supports that this missense variant has a deleterious effect on protein structure/function; Missense variants in this gene are a common cause of disease and they are underrepresented in the general population; Has not been previously published as pathogenic or benign to our knowledge

PreventionGenetics, part of Exact Sciences
Classification: Uncertain significance for SCN2A-related condition. Last evaluated: 2024-08-23. Review status: no assertion criteria provided. Collection method: clinical testing. Allele origin: germline. Not counted in ClinVar's aggregate classification.
Comment: The SCN2A c.2066A>C variant is predicted to result in the amino acid substitution p.His689Pro. To our knowledge, this variant has not been reported in the literature or in a large population database, indicating this variant is rare. At this time, the clinical significance of this variant is uncertain due to the absence of conclusive functional and genetic evidence.

NM_001040142.2(SCN2A):c.2066A>C (p.His689Pro)

Gene: SCN2A (sodium voltage-gated channel alpha subunit 2; plus strand). Cytogenetic location: 2q24.3.
Variant type: single nucleotide variant.
Coding change: c.2066A>C on transcript NM_001040142.2 (MANE Select); coding-DNA position 2066, A replaced by C.
Protein change: p.His689Pro; replaces histidine 689 with proline.
Molecular consequence: missense variant.
Genome position (GRCh38, 1-based): chr2:165,326,901, A>C. VCF-style: chr2-165326901-A-C. GRCh37 (hg19) VCF-style: chr2-166183411-A-C.
Other names: c.2066A>C, p.His689Pro (NM_001040143.2, NM_001371246.1, NM_001371247.1 and 1 more transcripts); short protein forms H689P.
Identifiers: ClinVar variation 1205210 (VCV001205210.8), dbSNP rs778275125, ClinGen allele CA349029290.